The following is an entry in ClinVar:

NM_002691.4(POLD1):c.2327G>A (p.Arg776Gln)

Gene: POLD1 (DNA polymerase delta 1, catalytic subunit; plus strand). Cytogenetic location: 19q13.33.
Variant type: single nucleotide variant.
Coding change: c.2327G>A on transcript NM_002691.4 (MANE Select); coding-DNA position 2327, G replaced by A.
Protein change: p.Arg776Gln; replaces arginine 776 with glutamine.
Molecular consequence: missense variant. On other transcripts: non-coding transcript variant (1).
Genome position (GRCh38, 1-based): chr19:50,413,818, G>A. VCF-style: chr19-50413818-G-A. GRCh37 (hg19) VCF-style: chr19-50917075-G-A.
Other names: c.2327G>A, p.Arg776Gln (NM_001256849.1); c.2405G>A, p.Arg802Gln (NM_001308632.1); c.2327G>A (NM_002691.2); short protein forms R776Q, R802Q.
Identifiers: ClinVar variation 239285 (VCV000239285.21), dbSNP rs141801845, ClinGen allele CA9596484.

ClinVar aggregate classification (germline): Conflicting classifications of pathogenicity. Review status: criteria provided, conflicting classifications (1 of 4 stars). 8 submissions from 8 submitters: Uncertain significance (6); Benign (1). 1 of the submissions does not count toward it. Last evaluated 2026-01-24.

Conditions:
Hereditary cancer-predisposing syndrome. Also called: Hereditary Cancer Syndrome; Neoplastic Syndromes, Hereditary; Hereditary neoplastic syndrome; Tumor predisposition. Identifiers: Orphanet 140162, MedGen C0027672, MeSH D009386, MONDO:0015356.
Mandibular hypoplasia-deafness-progeroid syndrome. Also called: Mandibular hypoplasia, deafness, progeroid features, and lipodystrophy syndrome. Identifiers: Orphanet 363649, MedGen C3715192, MONDO:0014157, OMIM 615381.
POLD1-related polyposis and colorectal cancer syndrome (CRCS10). Also called: COLORECTAL CANCER, SUSCEPTIBILITY TO, ON CHROMOSOME 19q; Colorectal cancer 10; Colorectal cancer, susceptibility to, 10. Identifiers: Orphanet 220460, MedGen C2675481, MONDO:0012953, OMIM 612591.
Immunodeficiency 120. Identifiers: MedGen C5935622, MONDO:0970994, OMIM 620836.

Allele frequency attached by ClinVar (database versions not stated): gnomAD 0.00001 and 0.00004; gnomAD exomes 0.00003 and 0.00010; TOPMed 0.00003; ESP Exome Variant Server 0.00008; 1000 Genomes Project 0.00020; ExAC 0.00010; 1000 Genomes Project 30x 0.00016.
gnomAD v4.1: 54 of 1,612,274 alleles (0.0033%); highest among the groups gnomAD compares: South Asian, 0.041%; no homozygotes.

Submissions (8):

Labcorp Genetics (formerly Invitae), Labcorp
Classification: Uncertain significance for POLD1-related polyposis and colorectal cancer syndrome. Last evaluated: 2026-01-24. Review status: criteria provided, single submitter. Criteria: Invitae Variant Classification Sherloc (09022015). Collection method: clinical testing. Allele origin: germline.
Comment: This sequence change replaces arginine, which is basic and polar, with glutamine, which is neutral and polar, at codon 776 of the POLD1 protein (p.Arg776Gln). This variant is present in population databases (rs141801845, gnomAD 0.06%), and has an allele count higher than expected for a pathogenic variant. This variant has not been reported in the literature in individuals affected with POLD1-related conditions. ClinVar contains an entry for this variant (Variation ID: 239285). Invitae Evidence Modeling of protein sequence and biophysical properties (such as structural, functional, and spatial information, amino acid conservation, physicochemical variation, residue mobility, and thermodynamic stability) indicates that this missense variant is not expected to disrupt POLD1 protein function with a negative predictive value of 80%. In summary, the available evidence is currently insufficient to determine the role of this variant in disease. Therefore, it has been classified as a Variant of Uncertain Significance.

Women's Health and Genetics/Laboratory Corporation of America, LabCorp
Classification: Uncertain significance. Last evaluated: 2025-04-01. Review status: criteria provided, single submitter. Criteria: LabCorp Variant Classification Summary - May 2015. Collection method: clinical testing. Allele origin: germline.
Comment: Variant summary: POLD1 c.2327G>A (p.Arg776Gln) results in a conservative amino acid change located in the DNA-directed DNA polymerase, family B, multifunctional domain (IPR006134) of the encoded protein sequence. Five of five in-silico tools predict a benign effect of the variant on protein function. The variant allele was found at a frequency of 9.6e-05 in 248868 control chromosomes (gnomAD). The observed variant frequency is approximately 7 - fold of the estimated maximal expected allele frequency for a pathogenic variant in POLD1 causing Colorectal Cancer phenotype (1.4e-05). c.2327G>A has been reported in the literature without strong evidence for or against pathogenicity (Chan_2018, Singh_2023). These report(s) do not provide unequivocal conclusions about association of the variant with Colorectal Cancer. To our knowledge, no experimental evidence demonstrating an impact on protein function has been reported. The following publications have been ascertained in the context of this evaluation (PMID: 30093976, 32792570, 37463056). ClinVar contains an entry for this variant (Variation ID: 239285). Based on the evidence outlined above, the variant was classified as VUS-possibly benign.

Center for Genomic Medicine, Rigshospitalet, Copenhagen University Hospital
Classification: Uncertain significance. Last evaluated: 2025-03-04. Review status: criteria provided, single submitter. Criteria: ACMG Guidelines, 2015. Collection method: clinical testing. Allele origin: germline.

Ambry Genetics
Classification: Benign for Hereditary cancer-predisposing syndrome. Last evaluated: 2024-08-23. Review status: criteria provided, single submitter. Criteria: Ambry Variant Classification Scheme 2023. Collection method: clinical testing. Allele origin: germline.

Fulgent Genetics
Classification: Uncertain significance for POLD1-related polyposis and colorectal cancer syndrome; Mandibular hypoplasia-deafness-progeroid syndrome; Immunodeficiency 120. Last evaluated: 2024-03-07. Review status: criteria provided, single submitter. Criteria: ACMG Guidelines, 2015. Collection method: clinical testing. Allele origin: germline.

GeneDx
Classification: Uncertain significance. Last evaluated: 2023-09-28. Review status: criteria provided, single submitter. Criteria: GeneDx Variant Classification Process June 2021. Collection method: clinical testing. Allele origin: germline. Affected: yes.
Comment: In silico analysis supports that this missense variant has a deleterious effect on protein structure/function; Identified in an individual with ovarian cancer (PMID: 30093976); This variant is associated with the following publications: (PMID: 20951805, 32041611, 30093976)

Baylor Genetics
Classification: Uncertain significance for Mandibular hypoplasia-deafness-progeroid syndrome. Last evaluated: 2020-02-23. Review status: criteria provided, single submitter. Criteria: ACMG Guidelines, 2015. Collection method: clinical testing. Allele origin: paternal. Affected: yes. Study: CSER-TexasKidsCanSeq.
Comment: This variant was determined to be of uncertain significance according to ACMG Guidelines, 2015 [PMID:25741868].

Department of Pathology and Laboratory Medicine, Sinai Health System
Classification: Uncertain significance. Review status: no assertion criteria provided. Collection method: clinical testing. Allele origin: unknown. Affected: yes. Study: The Canadian Open Genetics Repository (COGR). Not counted in ClinVar's aggregate classification.
Comment: The POLD1 p.Arg776Gln variant was not identified in the literature nor was it identified in Cosmic or LOVD 3.0. The variant was identified in dbSNP (ID: rs141801845) and ClinVar (classified as uncertain significance by Invitae for colorectal cancer). The variant was identified in control databases in 21 of 234444 chromosomes at a frequency of 0.00008957 (Genome Aggregation Database March 6, 2019, v2.1.1, non-cancer). The variant was observed in the following populations: South Asian in 17 of 30368 chromosomes (freq: 0.00056), Other in 2 of 5554 chromosomes (freq: 0.00036), Latino in 1 of 33916 chromosomes (freq: 0.000029) and European (non-Finnish) in 1 of 101812 chromosomes (freq: 0.00001), but was not observed in the African, Ashkenazi Jewish, East Asian, or European (Finnish) populations. The p.Arg776 residue is conserved in mammals but not in more distantly related organisms however computational analyses (PolyPhen-2, SIFT, AlignGVGD, BLOSUM, MutationTaster) do not suggest a high likelihood of impact to the protein; this information is not predictive enough to rule out pathogenicity. The variant occurs outside of the splicing consensus sequence and three of four in silico or computational prediction software programs (SpliceSiteFinder, MaxEntScan, NNSPLICE, GeneSplicer) do not predict a greater than 10% difference in splicing; this is not very predictive of pathogenicity. In summary, based on the above information the clinical significance of this variant cannot be determined with certainty at this time. This variant is classified as a variant of uncertain significance.

Literature cited by the submitters: PubMed 30093976 (cited by Women's Health and Genetics/Laboratory Corporation of America, LabCorp); PubMed 32792570 (cited by Women's Health and Genetics/Laboratory Corporation of America, LabCorp); PubMed 37463056 (cited by Women's Health and Genetics/Laboratory Corporation of America, LabCorp).